The following is an entry in ClinVar:

NM_004714.3(DYRK1B):c.1886C>G (p.Ser629Trp)

Gene: DYRK1B (dual specificity tyrosine phosphorylation regulated kinase 1B; minus strand). Cytogenetic location: 19q13.2.
Variant type: single nucleotide variant.
Coding change: c.1886C>G on transcript NM_004714.3 (MANE Select); coding-DNA position 1886, C replaced by G.
Protein change: p.Ser629Trp; replaces serine 629 with tryptophan.
Molecular consequence: missense variant.
Genome position (GRCh38, 1-based): chr19:39,825,719, G>C on the plus strand (C>G on the coding strand, the complement: DYRK1B is on the minus strand). VCF-style: chr19-39825719-G-C. GRCh37 (hg19) VCF-style: chr19-40316359-G-C.
Other names: c.1766C>G, p.Ser589Trp (NM_006483.3); c.1802C>G, p.Ser601Trp (NM_006484.3); short protein forms S589W, S601W, S629W.
Identifiers: ClinVar variation 4998367 (VCV004998367.1).

ClinVar aggregate classification (germline): Uncertain significance (1 of 4 stars; one submission).

Conditions:
DYRK1B-related disorder. Also called: DYRK1B-related condition.

Submission:

PreventionGenetics, part of Exact Sciences
Classification: Uncertain significance for DYRK1B-related condition. Last evaluated: 2024-12-30. Review status: criteria provided, single submitter. Criteria: ACMG Guidelines, 2015. Collection method: clinical testing. Allele origin: germline.
Comment: The DYRK1B c.1886C>G variant is predicted to result in the amino acid substitution p.Ser629Trp. To our knowledge, this variant has not been reported in the literature or in a large population database (gnomAD), indicating this variant is rare. At this time, the clinical significance of this variant is uncertain due to the absence of conclusive functional and genetic evidence.